The following is an entry in ClinVar:

ClinVar aggregate classification (germline): Pathogenic/Likely pathogenic. Review status: criteria provided, multiple submitters, no conflicts (2 of 4 stars). 8 submissions from 8 submitters: Pathogenic (6); Likely pathogenic (1). 1 of the submissions does not count toward it. Last evaluated 2025-12-11.

Conditions:
AGA-related disorder. Also called: AGA-related condition.
Aspartylglucosaminuria (AGU). Also called: GLYCOASPARAGINASE; GLYCOSYLASPARAGINASE DEFICIENCY; Aspartylglucos-aminuria; Aspartylglucos-amidase (AGA) deficiency; AGA DEFICIENCY. Identifiers: Orphanet 93, MedGen C0268225, MONDO:0008830, OMIM 208400, HP:0012068.

Allele frequency attached by ClinVar (database versions not stated): ExAC 0.00001; gnomAD exomes 0.00001; TOPMed 0.00002; gnomAD 0.00003.
gnomAD v4.1: 17 of 1,613,772 alleles (0.0011%); highest among the groups gnomAD compares: African/African-American, 0.0027%; no homozygotes.

Submissions (8):

Labcorp Genetics (formerly Invitae), Labcorp
Classification: Pathogenic for Aspartylglucosaminuria. Last evaluated: 2025-12-11. Review status: criteria provided, single submitter. Criteria: Invitae Variant Classification Sherloc (09022015). Collection method: clinical testing. Allele origin: germline.
Comment: This sequence change creates a premature translational stop signal (p.Arg107*) in the AGA gene. It is expected to result in an absent or disrupted protein product. Loss-of-function variants in AGA are known to be pathogenic (PMID: 7627186, 11309371). This variant is present in population databases (rs765070743, gnomAD 0.01%). This variant has not been reported in the literature in individuals affected with AGA-related conditions. ClinVar contains an entry for this variant (Variation ID: 291257). For these reasons, this variant has been classified as Pathogenic.

Variantyx, Inc.
Classification: Pathogenic for Aspartylglucosaminuria. Last evaluated: 2025-10-24. Review status: criteria provided, single submitter. Criteria: Variantyx Assertion Criteria 2022. Collection method: clinical testing. Allele origin: germline. Inheritance: Autosomal recessive inheritance.
Comment: This is a nonsense variant in the AGA gene (OMIM: 613228). Pathogenic variants in this gene have been associated with autosomal recessive aspartylglucosaminuria. This variant introduces a premature termination codon in exon 3 out of 9 and is expected to result in loss of function, which is a known disease mechanism for AGA in this disorder (PMID: 36101820, 36585008, 37077564) (PVS1). This variant has been identified in the homozygous or compound heterozygous state in many individuals reported in the published literature (PMID: 36101820, 36585008, 37077564) (PM3). This variant has a 0.0027% maximum allele frequency in non-founder control populations (PM2). Based on the current evidence, this variant is classified as pathogenic for autosomal recessive aspartylglucosaminuria.

Fulgent Genetics
Classification: Pathogenic for Aspartylglucosaminuria. Last evaluated: 2024-04-30. Review status: criteria provided, single submitter. Criteria: ACMG Guidelines, 2015. Collection method: clinical testing. Allele origin: germline.

Natera, Inc.
Classification: Pathogenic for Aspartylglucosaminuria. Last evaluated: 2024-04-08. Review status: criteria provided, single submitter. Criteria: Natera Variant Classification Schema (03/2026). Collection method: clinical testing. Allele origin: germline.
Comment: The c.319C>T variant in AGA is a nonsense variant predicted to introduce a stop codon at amino acid 107. This variant is expected to result in nonsense mediated decay, truncation, or a dysfunctional protein product. This variant is rare in the general population with a frequency below the threshold expected for the associated phenotype(s). This variant has been observed in one or more individuals affected with the associated recessive disease, as either homozygous or compound heterozygous with a second variant (PMID: 36585008). Given the available evidence, this variant is classified as Pathogenic.

Blueprint Genetics
Classification: Likely pathogenic for AGA-related disorders. Last evaluated: 2024-03-22. Review status: criteria provided, single submitter. Criteria: ACMG Guidelines, 2015. Collection method: clinical testing. Allele origin: germline. Affected: yes. Observed: 3 variant alleles.

MyeliNeuroGene Lab, McGill University Health Center Research Institute
Classification: Pathogenic for Aspartylglucosaminuria. Last evaluated: 2022-09-01. Review status: criteria provided, single submitter. Criteria: ACMG Guidelines, 2015. Collection method: research. Allele origin: unknown. Inheritance: Autosomal recessive inheritance. Affected: yes. Observed: 1 variant allele, 1 compound heterozygote.

Eurofins Ntd Llc (ga)
Classification: Pathogenic. Last evaluated: 2016-09-20. Review status: criteria provided, single submitter. Criteria: EGL Classification Definitions 2015. Collection method: clinical testing. Allele origin: germline. Observed: 2 variant alleles, 2 heterozygotes.

Counsyl
Classification: Likely pathogenic for Aspartylglucosaminuria. Last evaluated: 2015-08-05. Review status: no assertion criteria provided. Collection method: clinical testing. Allele origin: unknown. Not counted in ClinVar's aggregate classification.

Literature cited by the submitters: PubMed 7627186 (cited by Labcorp Genetics (formerly Invitae), Labcorp); PubMed 11309371 (cited by Labcorp Genetics (formerly Invitae), Labcorp); PubMed 36101820 (cited by Variantyx, Inc.); PubMed 36585008 (cited by Variantyx, Inc. and Natera, Inc.); PubMed 37077564 (cited by Variantyx, Inc.).

NM_000027.4(AGA):c.319C>T (p.Arg107Ter)

Gene: AGA (aspartylglucosaminidase; minus strand). Cytogenetic location: 4q34.3.
Variant type: single nucleotide variant.
Coding change: c.319C>T on transcript NM_000027.4 (MANE Select); coding-DNA position 319, C replaced by T.
Protein change: p.Arg107Ter; replaces arginine 107 with a stop codon.
Molecular consequence: nonsense. On other transcripts: non-coding transcript variant (1).
Genome position (GRCh38, 1-based): chr4:177,439,651, G>A on the plus strand (C>T on the coding strand, the complement: AGA is on the minus strand). VCF-style: chr4-177439651-G-A. GRCh37 (hg19) VCF-style: chr4-178360805-G-A.
Other names: c.319C>T, p.Arg107Ter (NM_001171988.2); short protein forms R107*.
Identifiers: ClinVar variation 291257 (VCV000291257.22), dbSNP rs765070743, ClinGen allele CA3146954.